The following is an entry in ClinVar:

ClinVar aggregate classification (germline): Uncertain significance (1 of 4 stars; one submission).

Submission:

Labcorp Genetics (formerly Invitae), Labcorp
Classification: Uncertain significance. Last evaluated: 2021-12-24. Review status: criteria provided, single submitter. Criteria: Invitae Variant Classification Sherloc (09022015). Collection method: clinical testing. Allele origin: germline.
Comment: Algorithms developed to predict the effect of missense changes on protein structure and function are either unavailable or do not agree on the potential impact of this missense change (SIFT: "Tolerated"; PolyPhen-2: "Possibly Damaging"; Align-GVGD: "Class C0"). This sequence change replaces proline, which is neutral and non-polar, with histidine, which is basic and polar, at codon 687 of the AP3B2 protein (p.Pro687His). This variant is not present in population databases (gnomAD no frequency). This variant has not been reported in the literature in individuals affected with AP3B2-related conditions. In summary, the available evidence is currently insufficient to determine the role of this variant in disease. Therefore, it has been classified as a Variant of Uncertain Significance.

NM_001278512.2(AP3B2):c.2117C>A (p.Pro706His)

Genes: AP3B2 (adaptor related protein complex 3 subunit beta 2; minus strand), CPEB1-AS1 (CPEB1 antisense RNA 1; plus strand). Cytogenetic location: 15q25.2.
Variant type: single nucleotide variant.
Coding change: c.2117C>A on transcript NM_001278512.2 (MANE Select); coding-DNA position 2117, C replaced by A.
Protein change: p.Pro706His; replaces proline 706 with histidine.
Molecular consequence: missense variant.
Genome position (GRCh38, 1-based): chr15:82,664,855, G>T on the plus strand (C>A on the coding strand, the complement: AP3B2 is on the minus strand). VCF-style: chr15-82664855-G-T. GRCh37 (hg19) VCF-style: chr15-83333607-G-T.
Other names: c.1964C>A, p.Pro655His (NM_001278511.2); c.2060C>A, p.Pro687His (NM_004644.5); short protein forms P655H, P706H, P687H.
Identifiers: ClinVar variation 1964098 (VCV001964098.5), dbSNP rs2548697933, ClinGen allele CA393312137.